The following is an entry in ClinVar:

NM_001374259.2(IL12RB2):c.130G>T (p.Gly44Ter)

Gene: IL12RB2 (interleukin 12 receptor subunit beta 2; plus strand). Cytogenetic location: 1p31.3.
Variant type: single nucleotide variant.
Coding change: c.130G>T on transcript NM_001374259.2 (MANE Select); coding-DNA position 130, G replaced by T.
Protein change: p.Gly44Ter; replaces glycine 44 with a stop codon.
Molecular consequence: nonsense. On other transcripts: non-coding transcript variant (2).
Genome position (GRCh38, 1-based): chr1:67,321,655, G>T. VCF-style: chr1-67321655-G-T. GRCh37 (hg19) VCF-style: chr1-67787338-G-T.
Other names: c.130G>T, p.Gly44Ter (NM_001258214.1, NM_001258215.1, NM_001258216.1 and 2 more transcripts); short protein forms G44*.
Identifiers: ClinVar variation 2161270 (VCV002161270.4), dbSNP rs374199491, ClinGen allele CA900123.

ClinVar aggregate classification (germline): Uncertain significance (1 of 4 stars; one submission).

Allele frequency attached by ClinVar (database versions not stated): TOPMed 0.00003; ExAC 0.00004; gnomAD 0.00005; ESP Exome Variant Server 0.00008.
gnomAD v4.1: 150 of 1,604,622 alleles (0.0093%); highest among the groups gnomAD compares: Non-Finnish European, 0.012%; no homozygotes.

Submission:

Labcorp Genetics (formerly Invitae), Labcorp
Classification: Uncertain significance. Last evaluated: 2025-10-01. Review status: criteria provided, single submitter. Criteria: Invitae Variant Classification Sherloc (09022015). Collection method: clinical testing. Allele origin: germline.
Comment: This sequence change creates a premature translational stop signal (p.Gly44*) in the IL12RB2 gene. It is expected to result in an absent or disrupted protein product. However, the current clinical and genetic evidence is not sufficient to establish whether loss-of-function variants in IL12RB2 cause disease. This variant is present in population databases (rs374199491, gnomAD 0.007%). This variant has not been reported in the literature in individuals affected with IL12RB2-related conditions. ClinVar contains an entry for this variant (Variation ID: 2161270). In summary, the available evidence is currently insufficient to determine the role of this variant in disease. Therefore, it has been classified as a Variant of Uncertain Significance.